The following is an entry in ClinVar:

NM_002291.3(LAMB1):c.313_314del (p.Pro105fs)

Gene: LAMB1 (laminin subunit beta 1; minus strand). Cytogenetic location: 7q31.1.
Variant type: Deletion.
Coding change: c.313_314del on transcript NM_002291.3 (MANE Select); coding-DNA positions 313 to 314, 2 bases deleted (CC; older notation c.313_314delCC).
Protein change: p.Pro105fs; shifts the reading frame from proline 105.
Molecular consequence: frameshift variant.
Genome position (GRCh38, 1-based): chr7:107,998,392-107,998,393, GG deleted on the plus strand (CC on the coding strand, the reverse complement: LAMB1 is on the minus strand). VCF-style (leftmost placement, unchanged base first): chr7-107998391-TGG-T. GRCh37 (hg19) VCF-style: chr7-107638836-TGG-T.
Other names: short protein forms P105fs.
Identifiers: ClinVar variation 817394 (VCV000817394.1), dbSNP rs1352532055, ClinGen allele CA577050485.

ClinVar aggregate classification (germline): Likely pathogenic (1 of 4 stars; one submission).

Allele frequency attached by ClinVar (database versions not stated): gnomAD exomes below 0.00001.

Submission:

GeneDx
Classification: Likely pathogenic. Last evaluated: 2019-01-09. Review status: criteria provided, single submitter. Criteria: GeneDx Variant Classification (06012015). Collection method: clinical testing. Allele origin: germline. Affected: yes.
Comment: A variant that is likely pathogenic has been identified in the LAMB1 gene. The c.313_314delCC variant has not been published as a pathogenic variant, nor has it been reported as a benign variant to our knowledge. The c.313_314delCC variant in the LAMB1 gene causes a frameshift starting with codon Proline 105, changes this amino acid to a Lysine residue and creates a premature Stop codon at position 4 of the new reading frame, denoted p.Pro105LysfsX4. This variant is predicted to cause loss of normal protein function either through protein truncation or nonsense-mediated mRNA decay. The c.313_314delCC variant is not observed at a significant frequency in large population cohorts (Lek et al., 2016). Therefore, this variant is likely pathogenic; however, the possibility that it is benign cannot be excluded.